The following is an entry in ClinVar:

NM_004304.5(ALK):c.2777G>T (p.Gly926Val)

Gene: ALK (ALK receptor tyrosine kinase; minus strand). Cytogenetic location: 2p23.2.
Variant type: single nucleotide variant.
Coding change: c.2777G>T on transcript NM_004304.5 (MANE Select); coding-DNA position 2777, G replaced by T.
Protein change: p.Gly926Val; replaces glycine 926 with valine.
Molecular consequence: missense variant.
Genome position (GRCh38, 1-based): chr2:29,228,922, C>A on the plus strand (G>T on the coding strand, the complement: ALK is on the minus strand). VCF-style: chr2-29228922-C-A. GRCh37 (hg19) VCF-style: chr2-29451788-C-A.
Other names: c.2777G>T (NM_004304.4); short protein forms G926V.
Identifiers: ClinVar variation 3612545 (VCV003612545.3).

ClinVar aggregate classification (germline): Uncertain significance. Review status: criteria provided, multiple submitters, no conflicts (2 of 4 stars). 2 submissions from 2 submitters: Uncertain significance (2). Last evaluated 2026-03-19.

Conditions:
Hereditary cancer-predisposing syndrome. Also called: Hereditary neoplastic syndrome; Tumor predisposition; Hereditary Cancer Syndrome; Neoplastic Syndromes, Hereditary. Identifiers: Orphanet 140162, MedGen C0027672, MeSH D009386, MONDO:0015356.
Neuroblastoma, susceptibility to, 3. Also called: ALK-Related Neuroblastic Tumor Susceptibility. Identifiers: Orphanet 635, MedGen C2751681, MONDO:0013083, OMIM 613014.

Submissions (2):

Ambry Genetics
Classification: Uncertain significance for Hereditary cancer-predisposing syndrome. Last evaluated: 2026-03-19. Review status: criteria provided, single submitter. Criteria: Ambry Variant Classification Scheme 2023. Collection method: clinical testing. Allele origin: germline.
Comment: The p.G926V variant (also known as c.2777G>T), located in coding exon 16 of the ALK gene, results from a G to T substitution at nucleotide position 2777. The glycine at codon 926 is replaced by valine, an amino acid with dissimilar properties. This amino acid position is highly conserved in available vertebrate species. In addition, the in silico prediction for this alteration is inconclusive. Based on the available evidence, the clinical significance of this variant remains unclear.

Labcorp Genetics (formerly Invitae), Labcorp
Classification: Uncertain significance for Neuroblastoma, susceptibility to, 3. Last evaluated: 2024-06-19. Review status: criteria provided, single submitter. Criteria: Invitae Variant Classification Sherloc (09022015). Collection method: clinical testing. Allele origin: germline.
Comment: This sequence change replaces glycine, which is neutral and non-polar, with valine, which is neutral and non-polar, at codon 926 of the ALK protein (p.Gly926Val). This variant is not present in population databases (gnomAD no frequency). This variant has not been reported in the literature in individuals affected with ALK-related conditions. An algorithm developed to predict the effect of missense changes on protein structure and function (PolyPhen-2) suggests that this variant is likely to be disruptive. In summary, the available evidence is currently insufficient to determine the role of this variant in disease. Therefore, it has been classified as a Variant of Uncertain Significance.